The following is an entry in ClinVar:

ClinVar aggregate classification (germline): Uncertain significance (1 of 4 stars; one submission).

Conditions:
Epidermolysis bullosa simplex, Ogna type (EBS5A). Also called: Pidermolysis bullosa simplex 5A, Ogna type; EPIDERMOLYSIS BULLOSA SIMPLEX 5A, OGNA TYPE. Identifiers: Orphanet 79401, MedGen C0432317, MONDO:0007555, OMIM 131950.
Autosomal recessive limb-girdle muscular dystrophy type 2Q (LGMDR17). Also called: MUSCULAR DYSTROPHY, LIMB-GIRDLE, AUTOSOMAL RECESSIVE 17. Identifiers: Orphanet 254361, MedGen C3150989, MONDO:0013390, OMIM 613723.
Epidermolysis bullosa simplex with nail dystrophy (EBS5D). Identifiers: MedGen C4225309, MONDO:0014661, OMIM 616487.
Epidermolysis bullosa simplex 5B, with muscular dystrophy (EBS5B). Also called: Epidermolysis bullosa simplex with muscular dystrophy; EPIDERMOLYSIS BULLOSA SIMPLEX AND LIMB-GIRDLE MUSCULAR DYSTROPHY. Identifiers: Orphanet 257, MedGen C2931072, MONDO:0009181, OMIM 226670.
Epidermolysis bullosa simplex 5C, with pyloric atresia (EBS5C). Also called: PLEC-Related Epidermolysis Bullosa with Pyloric Atresia; PLEC1-Related Epidermolysis Bullosa with Pyloric Atresia; Epidermolysis bullosa simplex with pyloric atresia. Identifiers: Orphanet 158684, MedGen C2677349, MONDO:0012807, OMIM 612138.

Submission:

Labcorp Genetics (formerly Invitae), Labcorp
Classification: Uncertain significance for Autosomal recessive limb-girdle muscular dystrophy type 2Q; Epidermolysis bullosa simplex, Ogna type; Epidermolysis bullosa simplex with nail dystrophy; Epidermolysis bullosa simplex 5C, with pyloric atresia; Epidermolysis bullosa simplex 5B, with muscular dystrophy. Last evaluated: 2018-12-18. Review status: criteria provided, single submitter. Criteria: Invitae Variant Classification Sherloc (09022015). Collection method: clinical testing. Allele origin: germline.
Comment: This variant results in a copy number gain of the genomic region encompassing the full coding sequence of the PLEC gene. The boundaries of this event are unknown as they extend beyond the assayed region for this gene and therefore may encompass additional genes. As the precise location of this event is unknown, it may be in tandem or it may be located elsewhere in the genome. This variant has not been reported in the literature in individuals with PLEC-related conditions. In summary, the available evidence is currently insufficient to determine the role of this variant in disease. Therefore, it has been classified as a Variant of Uncertain Significance.

NC_000008.10:g.(?_144990335)_(145701149_?)dup

Genes: CATSPERQ (catsper channel auxiliary subunit theta; minus strand), CPSF1 (cleavage and polyadenylation specific factor 1; minus strand), ADCK5 (aarF domain containing kinase 5; plus strand), BOP1 (BOP1 ribosomal biogenesis factor; minus strand), CYC1 (cytochrome c1; plus strand) and 25 more. Cytogenetic location: 8q24.3.
Variant type: Duplication.
Identifiers: ClinVar variation 665049 (VCV000665049.3).